The following is an entry in ClinVar:

ClinVar aggregate classification (germline): Uncertain significance (1 of 4 stars; one submission).

gnomAD v4.1: 3 of 1,613,982 alleles (0.00019%); highest among the groups gnomAD compares: Admixed American, 0.0033%; no homozygotes.

Submission:

Labcorp Genetics (formerly Invitae), Labcorp
Classification: Uncertain significance. Last evaluated: 2024-05-10. Review status: criteria provided, single submitter. Criteria: Invitae Variant Classification Sherloc (09022015). Collection method: clinical testing. Allele origin: germline.
Comment: This sequence change replaces glutamic acid, which is acidic and polar, with aspartic acid, which is acidic and polar, at codon 508 of the MYO3A protein (p.Glu508Asp). This variant is present in population databases (no rsID available, gnomAD 0.006%). This variant has not been reported in the literature in individuals affected with MYO3A-related conditions. Advanced modeling of protein sequence and biophysical properties (such as structural, functional, and spatial information, amino acid conservation, physicochemical variation, residue mobility, and thermodynamic stability) performed at Invitae indicates that this missense variant is not expected to disrupt MYO3A protein function with a negative predictive value of 80%. In summary, the available evidence is currently insufficient to determine the role of this variant in disease. Therefore, it has been classified as a Variant of Uncertain Significance.

NM_017433.5(MYO3A):c.1524A>T (p.Glu508Asp)

Gene: MYO3A (myosin IIIA; plus strand). Cytogenetic location: 10p12.1.
Variant type: single nucleotide variant.
Coding change: c.1524A>T on transcript NM_017433.5 (MANE Select); coding-DNA position 1524, A replaced by T.
Protein change: p.Glu508Asp; replaces glutamic acid 508 with aspartic acid.
Molecular consequence: missense variant.
Genome position (GRCh38, 1-based): chr10:26,088,367, A>T. VCF-style: chr10-26088367-A-T. GRCh37 (hg19) VCF-style: chr10-26377296-A-T.
Other names: short protein forms E508D.
Identifiers: ClinVar variation 3623531 (VCV003623531.2).
Genomic context (GRCh38, chr10:26,088,367, plus strand): 5'-AAAATACTTAGAAATGAAATTCACCTCTTCTGGAGCGGTAGTGGGAGCACAGATTTCTGA[A>T]TATCTCCTGGAAAAATCCCGAGTTATCCACCAAGCTATGTAAGTTTATTTCAAATCTCTC-3'
Protein context (NP_059129.3, residues 498-518): SGAVVGAQIS[Glu508Asp]YLLEKSRVIH